The following is an entry in ClinVar:

ClinVar aggregate classification (germline): Pathogenic/Likely pathogenic. Review status: criteria provided, multiple submitters, no conflicts (2 of 4 stars). 2 submissions from 2 submitters: Pathogenic (1); Likely pathogenic (1). Last evaluated 2024-04-24.

Conditions:
Curry-Hall syndrome (WAD). Also called: WEYERS ACRODENTAL DYSOSTOSIS. Identifiers: Orphanet 952, MedGen C0457013, MONDO:0008673, OMIM 193530.
Ellis-van Creveld syndrome (EVC). Also called: EVC-Related Ellis-van Creveld Syndrome; EVC2-Related Ellis-van Creveld Syndrome; MESOECTODERMAL DYSPLASIA; Chondroectodermal dysplasia. Identifiers: Orphanet 289, MedGen C0013903, MONDO:0009162, OMIM 225500.

Submissions (2):

Fulgent Genetics
Classification: Likely pathogenic for Curry-Hall syndrome; Ellis-van Creveld syndrome. Last evaluated: 2024-04-24. Review status: criteria provided, single submitter. Criteria: ACMG Guidelines, 2015. Collection method: clinical testing. Allele origin: germline.

Labcorp Genetics (formerly Invitae), Labcorp
Classification: Pathogenic for Curry-Hall syndrome; Ellis-van Creveld syndrome. Last evaluated: 2023-08-07. Review status: criteria provided, single submitter. Criteria: Invitae Variant Classification Sherloc (09022015). Collection method: clinical testing. Allele origin: germline.
Comment: For these reasons, this variant has been classified as Pathogenic. This variant has not been reported in the literature in individuals affected with EVC2-related conditions. This variant is not present in population databases (gnomAD no frequency). This sequence change creates a premature translational stop signal (p.Gln681*) in the EVC2 gene. It is expected to result in an absent or disrupted protein product. Loss-of-function variants in EVC2 are known to be pathogenic (PMID: 17024374, 19810119, 19876929).

Literature cited by the submitters: PubMed 17024374 (cited by Labcorp Genetics (formerly Invitae), Labcorp); PubMed 19810119 (cited by Labcorp Genetics (formerly Invitae), Labcorp); PubMed 19876929 (cited by Labcorp Genetics (formerly Invitae), Labcorp).

NM_147127.5(EVC2):c.2041C>T (p.Gln681Ter)

Gene: EVC2 (EvC ciliary complex subunit 2; minus strand). Cytogenetic location: 4p16.2.
Variant type: single nucleotide variant.
Coding change: c.2041C>T on transcript NM_147127.5 (MANE Select); coding-DNA position 2041, C replaced by T.
Protein change: p.Gln681Ter; replaces glutamine 681 with a stop codon.
Molecular consequence: nonsense.
Genome position (GRCh38, 1-based): chr4:5,625,754, G>A on the plus strand (C>T on the coding strand, the complement: EVC2 is on the minus strand). VCF-style: chr4-5625754-G-A. GRCh37 (hg19) VCF-style: chr4-5627481-G-A.
Other names: c.1801C>T, p.Gln601Ter (NM_001166136.2); short protein forms Q601*, Q681*.
Identifiers: ClinVar variation 2950762 (VCV002950762.4), dbSNP rs2475385307, ClinGen allele CA356145847.